The following is an entry in ClinVar:

NM_014297.5(ETHE1):c.580G>C (p.Ala194Pro)

Gene: ETHE1 (ETHE1 persulfide dioxygenase; minus strand). Cytogenetic location: 19q13.31.
Variant type: single nucleotide variant.
Coding change: c.580G>C on transcript NM_014297.5 (MANE Select); coding-DNA position 580, G replaced by C.
Protein change: p.Ala194Pro; replaces alanine 194 with proline.
Molecular consequence: missense variant.
Genome position (GRCh38, 1-based): chr19:43,508,790, C>G on the plus strand (G>C on the coding strand, the complement: ETHE1 is on the minus strand). VCF-style: chr19-43508790-C-G. GRCh37 (hg19) VCF-style: chr19-44012942-C-G.
Other names: c.547G>C, p.Ala183Pro (NM_001320867.2); c.211G>C, p.Ala71Pro (NM_001320868.2); c.286G>C, p.Ala96Pro (NM_001320869.2); short protein forms A183P, A194P, A71P, A96P.
Identifiers: ClinVar variation 3362822 (VCV003362822.3).
Genomic context (GRCh38, chr19:43,508,790, plus strand): 5'-TTTCAAAGTTATGTACGCCCCACACCTCTTCCAGGAAGCCCTCACCATGGTAATCGTGAG[C>G]AGGGTAGATCAGACAGTCTCCTGGAAGTGTGAAGATCTTTTCATGGACCGAGTGGTACAA-3'
Protein context (NP_055112.2, residues 184-204): TLPGDCLIYP[Ala194Pro]HDYHGFTVST

ClinVar aggregate classification (germline): Uncertain significance (1 of 4 stars; one submission).

Conditions:
Ethylmalonic encephalopathy (EE). Also called: EPEMA syndrome; Encephalopathy, petechiae, and ethylmalonic aciduria; Syndrome of encephalopathy, petechiae, and ethylmalonic aciduria. Identifiers: Orphanet 51188, MedGen C1865349, MONDO:0011229, OMIM 602473. Disease mechanism: loss of function.

Submission:

Neuberg Centre For Genomic Medicine, NCGM
Classification: Uncertain significance for Ethylmalonic encephalopathy. Review status: criteria provided, single submitter. Criteria: ACMG Guidelines, 2015. Collection method: clinical testing. Allele origin: germline. Inheritance: Autosomal recessive inheritance. Affected: yes.
Comment: The observed missense variant c.580G>C(p.Ala194Pro) in ETHE1 gene has not been reported previously as a pathogenic variant nor as a benign variant, to our knowledge. The c.580G>C(p.Ala194Pro) variant is absent in gnomAD Exomes. The amino acid Ala at position 194 is changed to a Pro changing protein sequence and it might alter its composition and physico-chemical properties. Multiple lines of computational evidence (Polyphen-probably damaging, SIFT-damagind and Mutation Taster-disease causing) predict a damaging effect on protein structure and function for this variant. The reference amino acid p.Ala194Pro in ETHE1 is predicted as conserved by GERP++ and PhyloP across 100 vertebrates For these reasons, this variant has been classified as Uncertain Significance.